The following is an entry in ClinVar:

NM_021008.4(DEAF1):c.871-3C>T

Gene: DEAF1 (DEAF1 transcription factor; minus strand). Cytogenetic location: 11p15.5.
Variant type: single nucleotide variant.
Coding change: c.871-3C>T on transcript NM_021008.4 (MANE Select); 3 bases into the intron before coding-DNA position 871, C replaced by T.
Molecular consequence: intron variant.
Genome position (GRCh38, 1-based): chr11:681,092, G>A on the plus strand (C>T on the coding strand, the complement: DEAF1 is on the minus strand). VCF-style: chr11-681092-G-A. GRCh37 (hg19) VCF-style: chr11-681092-G-A.
Other names: c.145-3C>T (NM_001367390.1, NM_001440885.1, NM_001440887.1 and 1 more transcripts); c.731-1276C>T (NM_001293634.2); c.871-3C>T (NM_001440884.1, NM_001440883.1).
Identifiers: ClinVar variation 493085 (VCV000493085.48), dbSNP rs868449291, ClinGen allele CA216904800.

ClinVar aggregate classification (germline): Uncertain significance. Review status: criteria provided, multiple submitters, no conflicts (2 of 4 stars). 2 submissions from 2 submitters: Uncertain significance (2). Last evaluated 2026-01-19.

Allele frequency attached by ClinVar (database versions not stated): gnomAD exomes below 0.00001 and 0.00001; TOPMed 0.00002.
gnomAD v4.1: 7 of 1,613,932 alleles (0.00043%); highest among the groups gnomAD compares: South Asian, 0.0022%; no homozygotes.

Submissions (2):

Labcorp Genetics (formerly Invitae), Labcorp
Classification: Uncertain significance. Last evaluated: 2026-01-19. Review status: criteria provided, single submitter. Criteria: Invitae Variant Classification Sherloc (09022015). Collection method: clinical testing. Allele origin: germline.
Comment: This sequence change falls in intron 6 of the DEAF1 gene. It does not directly change the encoded amino acid sequence of the DEAF1 protein. It affects a nucleotide within the consensus splice site. This variant is present in population databases (no rsID available, gnomAD 0.003%). This variant has not been reported in the literature in individuals affected with DEAF1-related conditions. ClinVar contains an entry for this variant (Variation ID: 493085). Variants that disrupt the consensus splice site are a relatively common cause of aberrant splicing (PMID: 17576681, 9536098). Algorithms developed to predict the effect of sequence changes on RNA splicing suggest that this variant is not likely to affect RNA splicing. In summary, the available evidence is currently insufficient to determine the role of this variant in disease. Therefore, it has been classified as a Variant of Uncertain Significance.

CeGaT Center for Human Genetics Tuebingen
Classification: Uncertain significance. Last evaluated: 2017-07-01. Review status: criteria provided, single submitter. Criteria: CeGaT Center For Human Genetics Tuebingen Variant Classification Criteria Version 2. Collection method: clinical testing. Allele origin: germline. Affected: yes. Observed: 1 variant allele.

Literature cited by the submitters: PubMed 17576681 (cited by Labcorp Genetics (formerly Invitae), Labcorp); PubMed 9536098 (cited by Labcorp Genetics (formerly Invitae), Labcorp).